The following is an entry in ClinVar:

NM_016306.6(DNAJB11):c.635_636del (p.Ile212fs)

Gene: DNAJB11 (DnaJ heat shock protein family (Hsp40) member B11; plus strand). Cytogenetic location: 3q27.3.
Variant type: Deletion.
Coding change: c.635_636del on transcript NM_016306.6 (MANE Select); coding-DNA positions 635 to 636, 2 bases deleted (TA; older notation c.635_636delTA).
Protein change: p.Ile212fs; shifts the reading frame from isoleucine 212.
Molecular consequence: frameshift variant. On other transcripts: non-coding transcript variant (6).
Genome position (GRCh38, 1-based): chr3:186,582,030-186,582,031, TA deleted; deleting any 2 consecutive bases within chr3:186,582,029-186,582,031 gives the same sequence; the c. name uses the placement nearest the transcript's 3' end. VCF-style (leftmost placement, unchanged base first): chr3-186582028-AAT-A. GRCh37 (hg19) VCF-style: chr3-186299817-AAT-A.
Other names: c.359_360del, p.Ile120fs (NM_001378451.1); c.635_636delTA (NM_016306.5); short protein forms I120fs, I212fs.
Identifiers: ClinVar variation 3236224 (VCV003236224.2), dbSNP rs2474578114, ClinGen allele CA2825001259.

ClinVar aggregate classification (germline): Pathogenic/Likely pathogenic. Review status: criteria provided, multiple submitters, no conflicts (2 of 4 stars). 2 submissions from 2 submitters: Pathogenic (1); Likely pathogenic (1). Last evaluated 2025-06-13.

Conditions:
DNAJB11-related disorder. Also called: DNAJB11-related condition.
Polycystic kidney disease 6 with or without polycystic liver disease. Also called: Autosomal Dominant Polycystic Kidney Disease-DNAJB11. Identifiers: MedGen C4748044, MONDO:0054842, OMIM 618061.

Submissions (2):

PreventionGenetics, part of Exact Sciences
Classification: Pathogenic for DNAJB11-related condition. Last evaluated: 2025-06-13. Review status: criteria provided, single submitter. Criteria: ACMG Guidelines, 2015. Collection method: clinical testing. Allele origin: germline.
Comment: The DNAJB11 c.635_636delTA variant is predicted to result in a frameshift and premature protein termination (p.Ile212Argfs*17). To our knowledge, this variant has not been reported in the literature or in a large population database (gnomAD), indicating this variant is rare. Frameshift variants in DNAJB11 are expected to be pathogenic. This variant is interpreted as pathogenic.

MVZ Medizinische Genetik Mainz
Classification: Likely pathogenic for Polycystic kidney disease 6 with or without polycystic liver disease. Last evaluated: 2023-09-01. Review status: criteria provided, single submitter. Criteria: UK Practice Guidelines For Variant Classification V4 01 2020. Collection method: clinical testing. Allele origin: germline. Inheritance: Autosomal dominant inheritance. Affected: yes. Observed: 1 variant allele.
Comment: ACMG Criteria: PVS1,PM2_SUP